The following is an entry in ClinVar:

ClinVar aggregate classification (germline): Uncertain significance (1 of 4 stars; one submission).

Submission:

Athena Diagnostics
Classification: Uncertain significance. Last evaluated: 2024-11-27. Review status: criteria provided, single submitter. Criteria: Athena Diagnostics Criteria. Collection method: clinical testing. Allele origin: unknown.
Comment: Available data are insufficient to determine the clinical significance of the variant at this time. This variant has not been reported in large, multi-ethnic general populations. Polyphen and MutationTaster predict this amino acid change may be damaging to the protein.

NM_001161352.2(KCNMA1):c.676C>A (p.Leu226Ile)

Gene: KCNMA1 (potassium calcium-activated channel subfamily M alpha 1; minus strand). Cytogenetic location: 10q22.3.
Variant type: single nucleotide variant.
Coding change: c.676C>A on transcript NM_001161352.2 (MANE Select); coding-DNA position 676, C replaced by A.
Protein change: p.Leu226Ile; replaces leucine 226 with isoleucine.
Molecular consequence: missense variant.
Genome position (GRCh38, 1-based): chr10:77,184,843, G>T on the plus strand (C>A on the coding strand, the complement: KCNMA1 is on the minus strand). VCF-style: chr10-77184843-G-T. GRCh37 (hg19) VCF-style: chr10-78944601-G-T.
Other names: c.676C>A, p.Leu226Ile (NM_001014797.3, NM_001161353.2, NM_001271519.2 and 8 more transcripts); c.514C>A, p.Leu172Ile (NM_001271518.2); c.136C>A, p.Leu46Ile (NM_001322838.2); short protein forms L172I, L226I, L46I.
Identifiers: ClinVar variation 3571728 (VCV003571728.1).